The following is an entry in ClinVar:

ClinVar aggregate classification (germline): Uncertain significance. Review status: criteria provided, multiple submitters, no conflicts (2 of 4 stars). 3 submissions from 3 submitters: Uncertain significance (3). Last evaluated 2024-12-03.

Conditions:
Diabetes insipidus, nephrogenic, X-linked. Also called: Nephrogenic Diabetes Insipidus, Type I. Identifiers: Orphanet 223, MedGen C1563705, MONDO:0010581, OMIM 304800.
Nephrogenic syndrome of inappropriate antidiuresis (NSIAD). Identifiers: Orphanet 93606, MedGen C1845202, MONDO:0010356, OMIM 300539.

Submissions (3):

GeneDx
Classification: Uncertain significance. Last evaluated: 2024-12-03. Review status: criteria provided, single submitter. Criteria: GeneDx Variant Classification Process June 2021. Collection method: clinical testing. Allele origin: germline. Affected: yes.
Comment: Not observed at significant frequency in large population cohorts (gnomAD); In silico analysis supports that this missense variant has a deleterious effect on protein structure/function; Has not been previously published as pathogenic or benign to our knowledge

Fulgent Genetics
Classification: Uncertain significance for Nephrogenic syndrome of inappropriate antidiuresis; Diabetes insipidus, nephrogenic, X-linked. Last evaluated: 2021-10-12. Review status: criteria provided, single submitter. Criteria: ACMG Guidelines, 2015. Collection method: clinical testing. Allele origin: unknown.

Athena Diagnostics
Classification: Uncertain significance. Last evaluated: 2017-12-29. Review status: criteria provided, single submitter. Criteria: Athena Diagnostics Criteria. Collection method: clinical testing. Allele origin: germline.

NM_000054.7(AVPR2):c.503T>G (p.Leu168Arg)

Gene: AVPR2 (arginine vasopressin receptor 2; plus strand). Cytogenetic location: Xq28.
Variant type: single nucleotide variant.
Coding change: c.503T>G on transcript NM_000054.7 (MANE Select); coding-DNA position 503, T replaced by G.
Protein change: p.Leu168Arg; replaces leucine 168 with arginine.
Molecular consequence: missense variant.
Genome position (GRCh38, 1-based): chrX:153,906,009, T>G. VCF-style: chrX-153906009-T-G. GRCh37 (hg19) VCF-style: chrX-153171463-T-G.
Other names: c.503T>G, p.Leu168Arg (NM_001146151.3); short protein forms L168R.
Identifiers: ClinVar variation 446891 (VCV000446891.4), dbSNP rs1557100711, ClinGen allele CA415106673.